The following is an entry in ClinVar:

ClinVar aggregate classification (germline): Pathogenic (1 of 4 stars; one submission).

Conditions:
CHARGE syndrome (CHARGE). Also called: Hittner Hirsch Kreh syndrome; Coloboma, heart anomaly, choanal atresia, retardation, genital and ear anomalies; CHARGE association; Hall-Hittner syndrome; CHARGE ASSOCIATION--COLOBOMA, HEART ANOMALY, CHOANAL ATRESIA, RETARDATION, GENITAL AND EAR ANOMALIES. Identifiers: Orphanet 138, MedGen C0265354, MONDO:0008965.

Submission:

Labcorp Genetics (formerly Invitae), Labcorp
Classification: Pathogenic for CHARGE syndrome. Last evaluated: 2019-08-01. Review status: criteria provided, single submitter. Criteria: Invitae Variant Classification Sherloc (09022015). Collection method: clinical testing. Allele origin: germline.
Comment: For these reasons, this variant has been classified as Pathogenic. Loss-of-function variants in CHD7 are known to be pathogenic (PMID: 22461308, 25077900). This variant has been observed in individuals undergoing testing for CHARGE syndrome (PMID: 22461308). This variant is not present in population databases (ExAC no frequency). This sequence change creates a premature translational stop signal (p.Glu1475Glyfs*71) in the CHD7 gene. It is expected to result in an absent or disrupted protein product.

Literature cited by the submitters: PubMed 22461308; PubMed 25077900.

NM_017780.4(CHD7):c.4424del (p.Glu1475fs)

Gene: CHD7 (chromodomain helicase DNA binding protein 7; plus strand). Cytogenetic location: 8q12.2.
Variant type: Deletion.
Coding change: c.4424del on transcript NM_017780.4 (MANE Select); coding-DNA position 4424, one base deleted (A; older notation c.4424delA).
Protein change: p.Glu1475fs; shifts the reading frame from glutamic acid 1475.
Molecular consequence: frameshift variant. On other transcripts: intron variant (1).
Genome position (GRCh38, 1-based): chr8:60,838,146, A deleted. VCF-style (leftmost placement, unchanged base first): chr8-60838145-GA-G. GRCh37 (hg19) VCF-style: chr8-61750704-GA-G.
Other names: c.1717-24083del (NM_001316690.1); short protein forms E1475fs.
Identifiers: ClinVar variation 940959 (VCV000940959.8), dbSNP rs1804819972, ClinGen allele CA1139660558.